The following is an entry in ClinVar:

NM_005045.4(RELN):c.7590C>A (p.Asn2530Lys)

Gene: RELN (reelin; minus strand). Cytogenetic location: 7q22.1.
Variant type: single nucleotide variant.
Coding change: c.7590C>A on transcript NM_005045.4 (MANE Select); coding-DNA position 7590, C replaced by A.
Protein change: p.Asn2530Lys; replaces asparagine 2530 with lysine.
Molecular consequence: missense variant.
Genome position (GRCh38, 1-based): chr7:103,522,100, G>T on the plus strand (C>A on the coding strand, the complement: RELN is on the minus strand). VCF-style: chr7-103522100-G-T. GRCh37 (hg19) VCF-style: chr7-103162547-G-T.
Other names: p.Asn2530Lys; c.7590C>A, p.Asn2530Lys (NM_173054.3); short protein forms N2530K.
Identifiers: ClinVar variation 501409 (VCV000501409.18), dbSNP rs766869538, ClinGen allele CA4420704.

ClinVar aggregate classification (germline): Conflicting classifications of pathogenicity. Review status: criteria provided, conflicting classifications (1 of 4 stars). 4 submissions from 4 submitters: Uncertain significance (3); Likely benign (1). Last evaluated 2025-09-02.

Conditions:
Norman-Roberts syndrome (LIS2). Also called: Lissencephaly 2 (Norman-Roberts type). Identifiers: Orphanet 89844, MedGen C0796089, MONDO:0009760, OMIM 257320.
Familial temporal lobe epilepsy 7. Identifiers: Orphanet 101046, MedGen C4225327, MONDO:0014639, OMIM 616436.

Allele frequency attached by ClinVar (database versions not stated): gnomAD 0.00003 and 0.00004; TOPMed 0.00007.
gnomAD v4.1: 37 of 1,613,944 alleles (0.0023%); highest among the groups gnomAD compares: Admixed American, 0.018%; no homozygotes.

Submissions (4):

Labcorp Genetics (formerly Invitae), Labcorp
Classification: Likely benign for Familial temporal lobe epilepsy 7; Norman-Roberts syndrome. Last evaluated: 2025-09-02. Review status: criteria provided, single submitter. Criteria: Invitae Variant Classification Sherloc (09022015). Collection method: clinical testing. Allele origin: germline.

Mayo Clinic Laboratories, Mayo Clinic
Classification: Uncertain significance. Last evaluated: 2023-02-08. Review status: criteria provided, single submitter. Criteria: ACMG Guidelines, 2015. Collection method: clinical testing. Allele origin: germline. Observed: 1 variant allele.
Comment: BP4, PM2

Illumina Laboratory Services, Illumina
Classification: Uncertain significance for Norman-Roberts syndrome. Last evaluated: 2019-02-21. Review status: criteria provided, single submitter. Criteria: ICSLVariantClassificationCriteria RUGD 01 April 2020. Collection method: clinical testing. Allele origin: unknown.
Comment: The RELN c.7590C>A (p.Asn2530Lys) variant is a missense variant. A literature search was performed for the gene, cDNA change, and amino acid change. No publications were found based on this search. This variant is found at a frequency of 0.000174 in the Latino population the Genome Aggregation Database. Based on the limited evidence, the p.Asn2530Lys variant is classified as a variant of uncertain significance for lissencephaly 2.

Eurofins Ntd Llc (ga)
Classification: Uncertain significance. Last evaluated: 2017-05-02. Review status: criteria provided, single submitter. Criteria: EGL Classification Definitions 2015. Collection method: clinical testing. Allele origin: germline. Observed: 1 variant allele, 1 heterozygote.